The following is an entry in ClinVar:

ClinVar aggregate classification (germline): Uncertain significance (1 of 4 stars; one submission).

Submission:

Ambry Genetics
Classification: Uncertain significance. Last evaluated: 2024-03-02. Review status: criteria provided, single submitter. Criteria: Ambry Variant Classification Scheme 2023. Collection method: clinical testing. Allele origin: germline.
Comment: The p.D418N variant (also known as c.1252G>A), located in coding exon 7 of the GALNT12 gene, results from a G to A substitution at nucleotide position 1252. The aspartic acid at codon 418 is replaced by asparagine, an amino acid with highly similar properties. This amino acid position is conserved. In addition, this alteration is predicted to be tolerated by in silico analysis. Based on the available evidence, the clinical significance of this alteration remains unclear.

NM_024642.5(GALNT12):c.1252G>A (p.Asp418Asn)

Gene: GALNT12 (polypeptide N-acetylgalactosaminyltransferase 12; plus strand). Cytogenetic location: 9q22.33.
Variant type: single nucleotide variant.
Coding change: c.1252G>A on transcript NM_024642.5 (MANE Select); coding-DNA position 1252, G replaced by A.
Protein change: p.Asp418Asn; replaces aspartic acid 418 with asparagine.
Molecular consequence: missense variant.
Genome position (GRCh38, 1-based): chr9:98,840,041, G>A. VCF-style: chr9-98840041-G-A. GRCh37 (hg19) VCF-style: chr9-101602323-G-A.
Other names: short protein forms D418N.
Identifiers: ClinVar variation 3227909 (VCV003227909.1), dbSNP rs1321671699, ClinGen allele CA374220955.